The following is an entry in ClinVar:

ClinVar aggregate classification (germline): Pathogenic (1 of 4 stars; one submission).

Conditions:
Mucopolysaccharidosis, MPS-III-D (MPS3D). Also called: MPS IIID (Sanfilippo Syndrome Type D); N-ACETYLGLUCOSAMINE-6-SULFATASE DEFICIENCY; SANFILIPPO SYNDROME D; MPS III D; Mucopoly-saccharidosis type 3D; N-acetylglucosamine-6-sulfate sulfatase deficiency. Identifiers: Orphanet 581, Orphanet 79272, MedGen C0086650, MONDO:0009658, OMIM 252940.

Submission:

Labcorp Genetics (formerly Invitae), Labcorp
Classification: Pathogenic for Mucopolysaccharidosis, MPS-III-D. Last evaluated: 2023-03-04. Review status: criteria provided, single submitter. Criteria: Invitae Variant Classification Sherloc (09022015). Collection method: clinical testing. Allele origin: germline.
Comment: This sequence change creates a premature translational stop signal (p.Thr313Asnfs*33) in the GNS gene. It is expected to result in an absent or disrupted protein product. Loss-of-function variants in GNS are known to be pathogenic (PMID: 20232353). This variant is not present in population databases (gnomAD no frequency). This variant has not been reported in the literature in individuals affected with GNS-related conditions. For these reasons, this variant has been classified as Pathogenic.

Literature cited by the submitters: PubMed 20232353.

NM_002076.4(GNS):c.937dup (p.Thr313fs)

Gene: GNS (glucosamine (N-acetyl)-6-sulfatase; minus strand). Cytogenetic location: 12q14.3.
Variant type: Duplication.
Coding change: c.937dup on transcript NM_002076.4 (MANE Select); coding-DNA position 937, one base duplicated (A; older notation c.937dupA).
Protein change: p.Thr313fs; shifts the reading frame from threonine 313.
Molecular consequence: frameshift variant.
Genome position (GRCh38, 1-based): chr12:64,739,438, T duplicated on the plus strand (A on the coding strand, the reverse complement: GNS is on the minus strand). VCF-style (leftmost placement, unchanged base first): chr12-64739437-G-GT. GRCh37 (hg19) VCF-style: chr12-65133217-G-GT.
Other names: short protein forms T313fs.
Identifiers: ClinVar variation 2843121 (VCV002843121.3), dbSNP rs2539519835, ClinGen allele CA2739272141.
Genomic context (GRCh38, chr12:64,739,437, plus strand): 5'-TGACCTGTGTGATAGCCATTGTCTGAGGTATAGAAGATGTAAGTGTTGTTGAGCTCCCCA[G>GT]TGAACTCCAGCCTCTTGACCAGTTTCTCCACAAGGTCATCAACTGAGAGGAGAGTTTGCC-3'